The following is an entry in ClinVar:

NM_004329.3(BMPR1A):c.1265dup (p.Gln423fs)

Gene: BMPR1A (bone morphogenetic protein receptor type 1A; plus strand). Cytogenetic location: 10q23.2.
Variant type: Duplication.
Coding change: c.1265dup on transcript NM_004329.3 (MANE Select); coding-DNA position 1265, one base duplicated (T; older notation c.1265dupT).
Protein change: p.Gln423fs; shifts the reading frame from glutamine 423.
Molecular consequence: frameshift variant. On other transcripts: non-coding transcript variant (3).
Genome position (GRCh38, 1-based): chr10:86,921,618, T duplicated; the last of 2 consecutive T bases (chr10:86,921,617-86,921,618); duplicating either gives the same sequence. VCF-style (leftmost placement, unchanged base first): chr10-86921616-C-CT. GRCh37 (hg19) VCF-style: chr10-88681373-C-CT.
Other names: c.1340dup, p.Gln448fs (NM_001406559.1); c.1313dup, p.Gln439fs (NM_001406560.1); c.1265dup, p.Gln423fs (NM_001406561.1, NM_001406579.1, NM_001406580.1 and 19 more transcripts); c.1259dup, p.Gln421fs (NM_001406583.1); c.1181dup, p.Gln395fs (NM_001406584.1, NM_001406585.1, NM_001406586.1 and 2 more transcripts); c.923dup, p.Gln309fs (NM_001406589.1); short protein forms Q309fs, Q395fs, Q421fs, Q423fs, Q439fs, Q448fs.
Identifiers: ClinVar variation 2583767 (VCV002583767.2), dbSNP rs2539637246, ClinGen allele CA2582342695.
Genomic context (GRCh38, chr10:86,921,616, plus strand): 5'-GGTGGGCACCAAACGCTACATGGCTCCCGAAGTGCTGGACGAAAGCCTGAACAAAAACCA[C>CT]TTCCAGCCCTACATCATGGCTGACATCTACAGCTTCGGCCTAATCATTTGGGAGATGGCT-3'

ClinVar aggregate classification (germline): Pathogenic (1 of 4 stars; one submission).

Conditions:
Juvenile polyposis syndrome (JPS). Identifiers: Orphanet 2929, MedGen C0345893, MONDO:0017380, OMIM 174900.

Submission:

Myriad Genetics, Inc.
Classification: Pathogenic for Juvenile polyposis syndrome. Last evaluated: 2023-05-26. Review status: criteria provided, single submitter. Criteria: Myriad Autosomal Dominant, Autosomal Recessive and X-Linked Classification Criteria (2023). Collection method: clinical testing. Allele origin: unknown.
Comment: This variant is considered pathogenic. This variant creates a frameshift predicted to result in premature protein truncation.